The following is an entry in ClinVar:

NM_001159699.2(FHL1):c.593A>G (p.His198Arg)

Gene: FHL1 (four and a half LIM domains 1; plus strand). Cytogenetic location: Xq26.3.
Variant type: single nucleotide variant.
Coding change: c.593A>G on transcript NM_001159699.2 (MANE Select); coding-DNA position 593, A replaced by G.
Protein change: p.His198Arg; replaces histidine 198 with arginine.
Molecular consequence: missense variant. On other transcripts: non-coding transcript variant (1), intron variant (2).
Genome position (GRCh38, 1-based): chrX:136,208,498, A>G. VCF-style: chrX-136208498-A-G. GRCh37 (hg19) VCF-style: chrX-135290657-A-G.
Other names: c.545A>G, p.His182Arg (NM_001159700.2, NM_001159702.3, NM_001159704.1 and 8 more transcripts); c.632A>G, p.His211Arg (NM_001159701.2); c.501+537A>G (NM_001159703.2); c.549+537A>G (NM_001330659.2); short protein forms H182R, H198R, H211R.
Identifiers: ClinVar variation 426590 (VCV000426590.2), dbSNP rs1085307698, ClinGen allele CA414608789.

ClinVar aggregate classification (germline): Uncertain significance (1 of 4 stars; one submission).

Allele frequency attached by ClinVar (database versions not stated): gnomAD exomes below 0.00001.

Submission:

GeneDx
Classification: Uncertain significance. Last evaluated: 2017-04-11. Review status: criteria provided, single submitter. Criteria: GeneDx Variant Classification (06012015). Collection method: clinical testing. Allele origin: germline. Affected: yes.
Comment: The H182R variant has not been published as a pathogenic variant, nor has it been reported as a benign variant to our knowledge. The H182R variant is not observed in large population cohorts (Lek et al., 2016; 1000 Genomes Consortium et al., 2015; Exome Variant Server). This variant is a conservative amino acid substitution, which is not likely to impact secondary protein structure as these residues share similar properties. However, this substitution occurs at a position that is conserved across species, and in silico analysis predicts this variant is probably damaging to the protein structure/function.